The following is an entry in ClinVar:

ClinVar aggregate classification (germline): Uncertain significance. Review status: criteria provided, multiple submitters, no conflicts (2 of 4 stars). 2 submissions from 2 submitters: Uncertain significance (2). Last evaluated 2026-04-14.

Conditions:
Familial intrahepatic cholestasis. Identifiers: Orphanet 284385, MedGen CN296401, MONDO:0017290.
Low phospholipid associated cholelithiasis (GBD1). Also called: Gallbladder disease 1; Gallstone cholecystitis. Identifiers: Orphanet 69663, MedGen C2609268, MONDO:0010939, OMIM 600803.

Submissions (2):

Genomenon, Inc
Classification: Uncertain significance for Familial intrahepatic cholestasis; Low phospholipid associated cholelithiasis. Last evaluated: 2026-04-14. Review status: criteria provided, single submitter. Criteria: Genomenon Sequence Variant Interpretation Standards - Updated. Collection method: curation. Allele origin: germline. Affected: yes.
Comment: ABCB4 p.Ala252Pro (c.754G>C) is a missense variant that changes the amino acid at residue 252 from Alanine to Proline. This variant has been observed in at least one proband with an ABCB4-related disorder (PMID:40769470;34016879). It is absent or not present at a significant frequency in gnomAD. In silico models predict that this variant is possibly or probably damaging. In conclusion, we classify ABCB4 p.Ala252Pro (c.754G>C) as a variant of uncertain significance.

Women's Health and Genetics/Laboratory Corporation of America, LabCorp
Classification: Uncertain significance. Last evaluated: 2025-06-04. Review status: criteria provided, single submitter. Criteria: LabCorp Variant Classification Summary - May 2015. Collection method: clinical testing. Allele origin: germline.
Comment: Variant summary: ABCB4 c.754G>C (p.Ala252Pro) results in a non-conservative amino acid change in the encoded protein sequence. Algorithms developed to predict the effect of missense changes on protein structure and function all suggest that this variant is likely to be disruptive. The variant was absent in 251170 control chromosomes. The available data on variant occurrences in the general population are insufficient to allow any conclusion about variant significance. c.754G>C has been observed in the presumed compound heterozygous state in individual(s) affected with autosomal recessive Familial Intrahepatic Cholestasis (example, Hertel_2021). These data do not allow any conclusion about variant significance. To our knowledge, no experimental evidence demonstrating an impact on protein function has been reported. The following publication has been ascertained in the context of this evaluation (PMID: 34016879). No submitters have cited clinical-significance assessments for this variant to ClinVar. Based on the evidence outlined above, the variant was classified as uncertain significance.

Literature cited by the submitters: PubMed 40769470 (cited by Genomenon, Inc); PubMed 34016879 (cited by Genomenon, Inc and Women's Health and Genetics/Laboratory Corporation of America, LabCorp).

NM_000443.4(ABCB4):c.754G>C (p.Ala252Pro)

Gene: ABCB4 (ATP binding cassette subfamily B member 4; minus strand). Cytogenetic location: 7q21.12.
Variant type: single nucleotide variant.
Coding change: c.754G>C on transcript NM_000443.4 (MANE Select); coding-DNA position 754, G replaced by C.
Protein change: p.Ala252Pro; replaces alanine 252 with proline.
Molecular consequence: missense variant.
Genome position (GRCh38, 1-based): chr7:87,450,047, C>G on the plus strand (G>C on the coding strand, the complement: ABCB4 is on the minus strand). VCF-style: chr7-87450047-C-G. GRCh37 (hg19) VCF-style: chr7-87079363-C-G.
Other names: c.754G>C, p.Ala252Pro (NM_018849.3, NM_018850.3); short protein forms A252P.
Identifiers: ClinVar variation 3907402 (VCV003907402.2).